The following is an entry in ClinVar:

NM_001014437.3(CARS1):c.87C>T (p.Asn29=)

Gene: CARS1 (cysteinyl-tRNA synthetase 1; minus strand). Cytogenetic location: 11p15.4.
Variant type: single nucleotide variant.
Coding change: c.87C>T on transcript NM_001014437.3 (MANE Select); coding-DNA position 87, C replaced by T.
Protein change: p.Asn29=; no amino-acid change (asparagine 29 retained).
Molecular consequence: synonymous variant. On other transcripts: 5 prime UTR variant (1), non-coding transcript variant (2), intron variant (6).
Genome position (GRCh38, 1-based): chr11:3,047,940, G>A on the plus strand (C>T on the coding strand, the complement: CARS1 is on the minus strand). VCF-style: chr11-3047940-G-A. GRCh37 (hg19) VCF-style: chr11-3069170-G-A.
Other names: c.87C>T, p.Asn29= (NM_001194997.2); c.-240C>T (NM_001378139.1); c.26-5684C>T (NM_001751.6, NM_139273.4); c.-52-5684C>T (NM_001378137.1, NM_001378138.1, NM_001440304.1); c.65-5684C>T (NM_001378136.1).
Identifiers: ClinVar variation 5040932 (VCV005040932.1).

ClinVar aggregate classification (germline): Likely benign (1 of 4 stars; one submission).

gnomAD v4.1: 76 of 1,614,034 alleles (0.0047%); highest among the groups gnomAD compares: Middle Eastern, 0.016%; no homozygotes.

Submission:

CeGaT Center for Human Genetics Tuebingen
Classification: Likely benign. Last evaluated: 2026-09-01. Review status: criteria provided, single submitter. Criteria: CeGaT Center For Human Genetics Tuebingen Variant Classification Criteria Version 2. Collection method: clinical testing. Allele origin: germline. Affected: yes. Observed: 1 variant allele.
Comment: CARS1: BP4, BP7